The following is an entry in ClinVar:

NM_014974.3(DIP2C):c.4081G>C (p.Glu1361Gln)

Gene: DIP2C (disco interacting protein 2 homolog C; minus strand). Cytogenetic location: 10p15.3.
Variant type: single nucleotide variant.
Coding change: c.4081G>C on transcript NM_014974.3 (MANE Select); coding-DNA position 4081, G replaced by C.
Protein change: p.Glu1361Gln; replaces glutamic acid 1361 with glutamine.
Molecular consequence: missense variant.
Genome position (GRCh38, 1-based): chr10:286,311, C>G on the plus strand (G>C on the coding strand, the complement: DIP2C is on the minus strand). VCF-style: chr10-286311-C-G. GRCh37 (hg19) VCF-style: chr10-332251-C-G.
Other names: short protein forms E1361Q.
Identifiers: ClinVar variation 3776508 (VCV003776508.1).

ClinVar aggregate classification (germline): Uncertain significance (1 of 4 stars; one submission).

Submission:

GeneDx
Classification: Uncertain significance. Last evaluated: 2024-10-02. Review status: criteria provided, single submitter. Criteria: GeneDx Variant Classification Process June 2021. Collection method: clinical testing. Allele origin: germline. Affected: yes.
Comment: Not observed at significant frequency in large population cohorts (gnomAD); In silico analysis indicates that this missense variant does not alter protein structure/function; Has not been previously published as pathogenic or benign to our knowledge